The following is an entry in ClinVar:

NM_001083619.3(GRIA2):c.364C>A (p.His122Asn)

Gene: GRIA2 (glutamate ionotropic receptor AMPA type subunit 2; plus strand). Cytogenetic location: 4q32.1.
Variant type: single nucleotide variant.
Coding change: c.364C>A on transcript NM_001083619.3 (MANE Select); coding-DNA position 364, C replaced by A.
Protein change: p.His122Asn; replaces histidine 122 with asparagine.
Molecular consequence: missense variant.
Genome position (GRCh38, 1-based): chr4:157,303,686, C>A. VCF-style: chr4-157303686-C-A. GRCh37 (hg19) VCF-style: chr4-158224838-C-A.
Other names: c.364C>A, p.His122Asn (NM_000826.6); c.223C>A, p.His75Asn (NM_001083620.3, NM_001379000.3, NM_001379001.3); short protein forms H122N, H75N.
Identifiers: ClinVar variation 4880928 (VCV004880928.2).
Genomic context (GRCh38, chr4:157,303,686, plus strand): 5'-TCATTTTGCGGAACACTCCACGTCTCCTTCATCACTCCCAGCTTCCCAACAGATGGCACA[C>A]ATCCATTTGTCATTCAGATGAGACCCGACCTCAAAGGAGCTCTCCTTAGCTTGATTGAAT-3'
Protein context (NP_001077088.2, residues 112-132): ITPSFPTDGT[His122Asn]PFVIQMRPDL

ClinVar aggregate classification (germline): Uncertain significance (1 of 4 stars; one submission).

Conditions:
Neurodevelopmental disorder with language impairment and behavioral abnormalities. Also called: GRIA2-related neurodevelopmental disorder. Identifiers: MedGen C5394502, MONDO:0030060, OMIM 618917.

gnomAD v4.1: 5 of 1,614,048 alleles (0.00031%); highest among the groups gnomAD compares: Admixed American, 0.0017%; no homozygotes.

Submission:

Dasa
Classification: Uncertain significance for Neurodevelopmental disorder with language impairment and behavioral abnormalities. Last evaluated: 2025-10-07. Review status: criteria provided, single submitter. Criteria: DASA Assertion Criteria. Collection method: clinical testing. Allele origin: germline.
Comment: NM_001083619.3(GRIA2):c.364C>A (p.His122Asn) is a missense variant that results in the substitution of histidine with asparagine. This variant is rare in population databases. Computational prediction algorithms are consistent with a benign effect. The currently available literature and clinical evidence are not sufficient to establish a definitive association between this variant and the reported condition. Therefore, this variant is classified as a variant of uncertain significance.